The following is an entry in ClinVar:

NM_001903.5(CTNNA1):c.1480C>A (p.Gln494Lys)

Gene: CTNNA1 (catenin alpha 1; plus strand). Cytogenetic location: 5q31.2.
Variant type: single nucleotide variant.
Coding change: c.1480C>A on transcript NM_001903.5 (MANE Select); coding-DNA position 1480, C replaced by A.
Protein change: p.Gln494Lys; replaces glutamine 494 with lysine.
Molecular consequence: missense variant.
Genome position (GRCh38, 1-based): chr5:138,917,832, C>A. VCF-style: chr5-138917832-C-A. GRCh37 (hg19) VCF-style: chr5-138253521-C-A.
Other names: c.1480C>A, p.Gln494Lys (NM_001290307.3, NM_001323982.2, NM_001323983.1 and 2 more transcripts); c.1171C>A, p.Gln391Lys (NM_001290309.3); c.1111C>A, p.Gln371Lys (NM_001290310.3); c.370C>A, p.Gln124Lys (NM_001290312.1, NM_001323987.1, NM_001323988.1 and 17 more transcripts); c.1387C>A, p.Gln463Lys (NM_001323986.2); c.31C>A, p.Gln11Lys (NM_001324006.1, NM_001324007.1, NM_001324008.1 and 2 more transcripts); c.277C>A, p.Gln93Lys (NM_001324011.1); c.127C>A, p.Gln43Lys (NM_001324012.1, NM_001324013.1); short protein forms Q124K, Q371K, Q391K, Q463K, Q494K, Q93K, Q11K, Q43K.
Identifiers: ClinVar variation 659779 (VCV000659779.13), dbSNP rs1356240181, ClinGen allele CA361137287.

ClinVar aggregate classification (germline): Uncertain significance. Review status: criteria provided, multiple submitters, no conflicts (2 of 4 stars). 3 submissions from 3 submitters: Uncertain significance (3). Last evaluated 2025-10-26.

Conditions:
Patterned macular dystrophy 2. Identifiers: Orphanet 99001, MedGen C1837029, MONDO:0012162, OMIM 608970.
Hereditary cancer-predisposing syndrome. Also called: Hereditary neoplastic syndrome; Neoplastic Syndromes, Hereditary; Hereditary Cancer Syndrome; Tumor predisposition. Identifiers: Orphanet 140162, MedGen C0027672, MeSH D009386, MONDO:0015356.

Allele frequency attached by ClinVar (database versions not stated): gnomAD exomes below 0.00001; TOPMed below 0.00001.
gnomAD v4.1: 2 of 1,614,152 alleles (0.00012%); highest among the groups gnomAD compares: Admixed American, 0.0033%; no homozygotes.

Submissions (3):

Labcorp Genetics (formerly Invitae), Labcorp
Classification: Uncertain significance. Last evaluated: 2025-10-26. Review status: criteria provided, single submitter. Criteria: Invitae Variant Classification Sherloc (09022015). Collection method: clinical testing. Allele origin: germline.
Comment: This sequence change replaces glutamine, which is neutral and polar, with lysine, which is basic and polar, at codon 494 of the CTNNA1 protein (p.Gln494Lys). This variant is present in population databases (no rsID available, gnomAD 0.003%). This variant has not been reported in the literature in individuals affected with CTNNA1-related conditions. ClinVar contains an entry for this variant (Variation ID: 659779). Invitae Evidence Modeling of protein sequence and biophysical properties (such as structural, functional, and spatial information, amino acid conservation, physicochemical variation, residue mobility, and thermodynamic stability) indicates that this missense variant is not expected to disrupt CTNNA1 protein function with a negative predictive value of 80%. In summary, the available evidence is currently insufficient to determine the role of this variant in disease. Therefore, it has been classified as a Variant of Uncertain Significance.

Ambry Genetics
Classification: Uncertain significance for Hereditary cancer-predisposing syndrome. Last evaluated: 2025-10-21. Review status: criteria provided, single submitter. Criteria: Ambry Variant Classification Scheme 2023. Collection method: clinical testing. Allele origin: germline.
Comment: The p.Q494K variant (also known as c.1480C>A), located in coding exon 10 of the CTNNA1 gene, results from a C to A substitution at nucleotide position 1480. The glutamine at codon 494 is replaced by lysine, an amino acid with similar properties. This amino acid position is highly conserved in available vertebrate species. In addition, the in silico prediction for this alteration is inconclusive. Based on the available evidence, the clinical significance of this variant remains unclear.

Fulgent Genetics
Classification: Uncertain significance for Patterned macular dystrophy 2. Last evaluated: 2024-06-08. Review status: criteria provided, single submitter. Criteria: ACMG Guidelines, 2015. Collection method: clinical testing. Allele origin: germline.